The following is an entry in ClinVar:

ClinVar aggregate classification (germline): Uncertain significance (1 of 4 stars; one submission).

Conditions:
Glanzmann thrombasthenia. Also called: PLATELET GLYCOPROTEIN IIb-IIIa DEFICIENCY; BLEEDING DISORDER, PLATELET-TYPE, 2; THROMBASTHENIA OF GLANZMANN AND NAEGELI; Glanzmann's thrombasthenia; Thrombasthenia. Identifiers: Orphanet 849, MedGen C0040015, MONDO:0100326.

gnomAD v4.1: 1 of 1,612,608 alleles (0.000062%); highest among the groups gnomAD compares: Non-Finnish European, 0.000085%; no homozygotes.

Submission:

Labcorp Genetics (formerly Invitae), Labcorp
Classification: Uncertain significance for Glanzmann thrombasthenia. Last evaluated: 2025-07-30. Review status: criteria provided, single submitter. Criteria: Invitae Variant Classification Sherloc (09022015). Collection method: clinical testing. Allele origin: germline.
Comment: This sequence change falls in intron 28 of the ITGA2B gene. It does not directly change the encoded amino acid sequence of the ITGA2B protein. It affects a nucleotide within the consensus splice site. This variant is not present in population databases (gnomAD no frequency). This variant has not been reported in the literature in individuals affected with ITGA2B-related conditions. Variants that disrupt the consensus splice site are a relatively common cause of aberrant splicing (PMID: 17576681, 9536098). Algorithms developed to predict the effect of sequence changes on RNA splicing suggest that this variant may disrupt the consensus splice site. In summary, the available evidence is currently insufficient to determine the role of this variant in disease. Therefore, it has been classified as a Variant of Uncertain Significance.

Literature cited by the submitters: PubMed 17576681; PubMed 9536098.

NM_000419.5(ITGA2B):c.2943+5G>C

Gene: ITGA2B (integrin subunit alpha 2b; minus strand). Cytogenetic location: 17q21.31.
Variant type: single nucleotide variant.
Coding change: c.2943+5G>C on transcript NM_000419.5 (MANE Select); 5 bases into the intron after coding-DNA position 2943, G replaced by C.
Molecular consequence: intron variant.
Genome position (GRCh38, 1-based): chr17:44,374,654, C>G on the plus strand (G>C on the coding strand, the complement: ITGA2B is on the minus strand). VCF-style: chr17-44374654-C-G. GRCh37 (hg19) VCF-style: chr17-42452022-C-G.
Identifiers: ClinVar variation 4755028 (VCV004755028.1).